The following is an entry in ClinVar:

NM_006516.4(SLC2A1):c.549G>C (p.Lys183Asn)

Gene: SLC2A1 (solute carrier family 2 member 1; minus strand). Cytogenetic location: 1p34.2.
Variant type: single nucleotide variant.
Coding change: c.549G>C on transcript NM_006516.4 (MANE Select); coding-DNA position 549, G replaced by C.
Protein change: p.Lys183Asn; replaces lysine 183 with asparagine.
Molecular consequence: missense variant.
Genome position (GRCh38, 1-based): chr1:42,930,003, C>G on the plus strand (G>C on the coding strand, the complement: SLC2A1 is on the minus strand). VCF-style: chr1-42930003-C-G. GRCh37 (hg19) VCF-style: chr1-43395674-C-G.
Other names: short protein forms K183N.
Identifiers: ClinVar variation 3369877 (VCV003369877.1).

ClinVar aggregate classification (germline): Uncertain significance (1 of 4 stars; one submission).

Submission:

GeneDx
Classification: Uncertain significance. Last evaluated: 2024-02-26. Review status: criteria provided, single submitter. Criteria: GeneDx Variant Classification Process June 2021. Collection method: clinical testing. Allele origin: germline. Affected: yes.
Comment: Not observed at significant frequency in large population cohorts (gnomAD); In silico analysis supports that this missense variant does not alter protein structure/function; Has not been previously published as pathogenic or benign to our knowledge